The following is an entry in ClinVar:

ClinVar aggregate classification (germline): Uncertain significance (1 of 4 stars; one submission).

Allele frequency attached by ClinVar (database versions not stated): gnomAD exomes below 0.00001; gnomAD 0.00002.
gnomAD v4.1: 6 of 1,579,772 alleles (0.00038%); highest among the groups gnomAD compares: African/African-American, 0.0081%; no homozygotes.

Submission:

Labcorp Genetics (formerly Invitae), Labcorp
Classification: Uncertain significance. Last evaluated: 2023-05-08. Review status: criteria provided, single submitter. Criteria: Invitae Variant Classification Sherloc (09022015). Collection method: clinical testing. Allele origin: germline.
Comment: In summary, the available evidence is currently insufficient to determine the role of this variant in disease. Therefore, it has been classified as a Variant of Uncertain Significance. Advanced modeling of protein sequence and biophysical properties (such as structural, functional, and spatial information, amino acid conservation, physicochemical variation, residue mobility, and thermodynamic stability) performed at Invitae indicates that this missense variant is not expected to disrupt CDH23 protein function. ClinVar contains an entry for this variant (Variation ID: 1513930). This variant has not been reported in the literature in individuals affected with CDH23-related conditions. This variant is present in population databases (no rsID available, gnomAD 0.02%). This sequence change replaces threonine, which is neutral and polar, with proline, which is neutral and non-polar, at codon 3347 of the CDH23 protein (p.Thr3347Pro).

NM_022124.6(CDH23):c.10039A>C (p.Thr3347Pro)

Gene: CDH23 (cadherin related 23; plus strand). Cytogenetic location: 10q22.1.
Variant type: single nucleotide variant.
Coding change: c.10039A>C on transcript NM_022124.6 (MANE Select); coding-DNA position 10039, A replaced by C.
Protein change: p.Thr3347Pro; replaces threonine 3347 with proline.
Molecular consequence: missense variant.
Genome position (GRCh38, 1-based): chr10:71,815,252, A>C. VCF-style: chr10-71815252-A-C. GRCh37 (hg19) VCF-style: chr10-73575009-A-C.
Other names: c.3319A>C, p.Thr1107Pro (NM_001171933.1); c.3214A>C, p.Thr1072Pro (NM_001171934.1); c.730A>C, p.Thr244Pro (NM_001171935.1); c.625A>C, p.Thr209Pro (NM_001171936.1); short protein forms T1107P, T209P, T1072P, T244P, T3347P.
Identifiers: ClinVar variation 1513930 (VCV001513930.6), dbSNP rs1036211147, ClinGen allele CA209448056.